The following is an entry in ClinVar:

ClinVar aggregate classification (germline): Benign/Likely benign. Review status: criteria provided, multiple submitters, no conflicts (2 of 4 stars). 4 submissions from 4 submitters: Benign (1); Likely benign (2). 1 of the submissions does not count toward it. Last evaluated 2025-07-08.

Conditions:
Rubinstein-Taybi syndrome due to EP300 haploinsufficiency. Also called: EP300-Related Rubinstein-Taybi Syndrome; RUBINSTEIN-TAYBI SYNDROME 2. Identifiers: Orphanet 353284, Orphanet 783, MedGen C3150941, MONDO:0013364, OMIM 613684.
EP300-related disorder. Also called: EP300-related condition; EP300-related disorders.

Allele frequency attached by ClinVar (database versions not stated): gnomAD 0.00002 and 0.00003; TOPMed 0.00003; ExAC 0.00007; gnomAD exomes 0.00007 and 0.00008; ESP Exome Variant Server 0.00008.
gnomAD v4.1: 110 of 1,614,060 alleles (0.0068%); highest among the groups gnomAD compares: Admixed American, 0.017%; no homozygotes.

Submissions (4):

Labcorp Genetics (formerly Invitae), Labcorp
Classification: Likely benign for Rubinstein-Taybi syndrome due to EP300 haploinsufficiency. Last evaluated: 2025-07-08. Review status: criteria provided, single submitter. Criteria: Invitae Variant Classification Sherloc (09022015). Collection method: clinical testing. Allele origin: germline.

Laboratory of Genetics, Children's Clinical University Hospital Latvia
Classification: Likely benign. Last evaluated: 2025-02-16. Review status: criteria provided, single submitter. Criteria: ACMG Guidelines, 2015. Collection method: clinical testing. Allele origin: germline. Affected: yes.

GeneDx
Classification: Benign. Last evaluated: 2020-02-27. Review status: criteria provided, single submitter. Criteria: GeneDx Variant Classification Process June 2021. Collection method: clinical testing. Allele origin: germline. Affected: yes.

PreventionGenetics, part of Exact Sciences
Classification: Likely benign for EP300-related condition. Last evaluated: 2021-11-02. Review status: no assertion criteria provided. Collection method: clinical testing. Allele origin: germline. Not counted in ClinVar's aggregate classification.
Comment: This variant is classified as likely benign based on ACMG/AMP sequence variant interpretation guidelines (Richards et al. 2015 PMID: 25741868, with internal and published modifications).

NM_001429.4(EP300):c.579C>T (p.Asn193=)

Gene: EP300 (EP300 lysine acetyltransferase; plus strand). Cytogenetic location: 22q13.2.
Variant type: single nucleotide variant.
Coding change: c.579C>T on transcript NM_001429.4 (MANE Select); coding-DNA position 579, C replaced by T.
Protein change: p.Asn193=; no amino-acid change (asparagine 193 retained).
Molecular consequence: synonymous variant.
Genome position (GRCh38, 1-based): chr22:41,117,671, C>T. VCF-style: chr22-41117671-C-T. GRCh37 (hg19) VCF-style: chr22-41513675-C-T.
Other names: c.579C>T, p.Asn193= (NM_001362843.2).
Identifiers: ClinVar variation 1282561 (VCV001282561.7), dbSNP rs376004661, ClinGen allele CA10252279.
Genomic context (GRCh38, chr22:41,117,671, plus strand): 5'-GAATCCTGGAATGTTGGCTGCAGGCAATGGACAAGGGATAATGCCTAATCAAGTCATGAA[C>T]GGTTCAATTGGAGCAGGCCGAGGGCGACAGAATATGCAGTACCCAAACCCAGGCATGGGA-3'
Protein context (NP_001420.2, residues 183-203): GQGIMPNQVM[Asn193=]GSIGAGRGRQ